The following is an entry in ClinVar:

NM_001374385.1(ATP8B1):c.920A>T (p.His307Leu)

Gene: ATP8B1 (ATPase phospholipid transporting 8B1; minus strand). Cytogenetic location: 18q21.31.
Variant type: single nucleotide variant.
Coding change: c.920A>T on transcript NM_001374385.1 (MANE Select); coding-DNA position 920, A replaced by T.
Protein change: p.His307Leu; replaces histidine 307 with leucine.
Molecular consequence: missense variant.
Genome position (GRCh38, 1-based): chr18:57,695,191, T>A on the plus strand (A>T on the coding strand, the complement: ATP8B1 is on the minus strand). VCF-style: chr18-57695191-T-A. GRCh37 (hg19) VCF-style: chr18-55362423-T-A.
Other names: c.770A>T, p.His257Leu (NM_001374386.1); c.920A>T, p.His307Leu (NM_005603.6); short protein forms H257L, H307L.
Identifiers: ClinVar variation 4846157 (VCV004846157.1).
Genomic context (GRCh38, chr18:57,695,191, plus strand): 5'-GATCATAGCTGATTAATTTCCCAAGAAACTCTGAACGTACCTGCAAAAATGACTAAGCCG[T>A]GGCAGAAATCGGTGTTCCTAATTACACAGCCACGTAACAAAATTTTATCAGCATCCAAAG-3'
Protein context (NP_001361314.1, residues 297-317): GCVIRNTDFC[His307Leu]GLVIFAGADT

ClinVar aggregate classification (germline): Uncertain significance (1 of 4 stars; one submission).

Conditions:
Familial intrahepatic cholestasis. Identifiers: Orphanet 284385, MedGen CN296401, MONDO:0017290.

Submission:

Genomenon, Inc
Classification: Uncertain significance for Familial intrahepatic cholestasis. Last evaluated: 2026-04-14. Review status: criteria provided, single submitter. Criteria: Genomenon Sequence Variant Interpretation Standards - Updated. Collection method: curation. Allele origin: germline. Affected: yes.
Comment: ATP8B1 p.His307Leu (c.920A>T) is a missense variant that changes the amino acid at residue 307 from Histidine to Leucine. This variant has been observed in at least one proband with features of ATP8B1-deficiency (PMID:26382629). It has been observed in trans with a pathogenic or likely pathogenic variant (PMID:26382629). It is absent or not present at a significant frequency in gnomAD. In conclusion, we classify ATP8B1 p.His307Leu (c.920A>T) as a variant of uncertain significance.

Literature cited by the submitters: PubMed 26382629.